The following is an entry in ClinVar:

ClinVar aggregate classification (germline): Uncertain significance (1 of 4 stars; one submission).

Conditions:
Neurofibromatosis, type 1 (NF1). Also called: VON RECKLINGHAUSEN DISEASE; NEUROFIBROMATOSIS, TYPE I, SOMATIC; Peripheral type neurofibromatosis; Neurofibromatosis, type I. Identifiers: Orphanet 636, MedGen C0027831, MONDO:0018975, OMIM 162200. Disease mechanism: loss of function.

Submission:

Baylor Genetics
Classification: Uncertain significance for Neurofibromatosis, type 1. Last evaluated: 2017-09-01. Review status: criteria provided, single submitter. Criteria: ACMG Guidelines, 2015. Collection method: clinical testing. Allele origin: de novo. Inheritance: Autosomal dominant inheritance. Affected: yes.

Literature cited by the submitters: PubMed 25326635.

NM_001042492.3(NF1):c.6340G>T (p.Gly2114Cys)

Gene: NF1 (neurofibromin 1; plus strand). Cytogenetic location: 17q11.2.
Variant type: single nucleotide variant.
Coding change: c.6340G>T on transcript NM_001042492.3 (MANE Select); coding-DNA position 6340, G replaced by T.
Protein change: p.Gly2114Cys; replaces glycine 2114 with cysteine.
Molecular consequence: missense variant.
Genome position (GRCh38, 1-based): chr17:31,336,827, G>T. VCF-style: chr17-31336827-G-T. GRCh37 (hg19) VCF-style: chr17-29663845-G-T.
Other names: c.6277G>T, p.Gly2093Cys (NM_000267.4); short protein forms G2093C, G2114C.
Identifiers: ClinVar variation 561056 (VCV000561056.2), dbSNP rs1567617070, ClinGen allele CA399012786.
Genomic context (GRCh38, chr17:31,336,827, plus strand): 5'-CTTGATGTGGCAGCTCATCTTCCCTACCTCTTCCACGTTGTTACTTTCTTAGTAGCCACA[G>T]GTCCGCTCTCCCTTAGAGCTTCCACACATGGACTGGTCATTAATATCATTCACTCTCTGT-3'
Protein context (NP_001035957.1, residues 2104-2124): FHVVTFLVAT[Gly2114Cys]PLSLRASTHG